The following is an entry in ClinVar:

ClinVar aggregate classification (germline): Uncertain significance (1 of 4 stars; one submission).

Conditions:
PTH1R-related disorder. Also called: PTH1R-related condition.

Submission:

PreventionGenetics, part of Exact Sciences
Classification: Uncertain significance for PTH1R-related condition. Last evaluated: 2026-04-16. Review status: criteria provided, single submitter. Criteria: ACMG Guidelines, 2015. Collection method: clinical testing. Allele origin: germline.
Comment: The PTH1R c.1353G>C variant is predicted to result in the amino acid substitution p.Gln451His. To our knowledge, this variant has not been reported in the literature or in a large population database (gnomAD), indicating this variant is rare. At this time, the clinical significance of this variant is uncertain due to the absence of conclusive functional and genetic evidence.

NM_000316.3(PTH1R):c.1353G>C (p.Gln451His)

Gene: PTH1R (parathyroid hormone 1 receptor; plus strand). Cytogenetic location: 3p21.31.
Variant type: single nucleotide variant.
Coding change: c.1353G>C on transcript NM_000316.3 (MANE Select); coding-DNA position 1353, G replaced by C.
Protein change: p.Gln451His; replaces glutamine 451 with histidine.
Molecular consequence: missense variant.
Genome position (GRCh38, 1-based): chr3:46,902,667, G>C. VCF-style: chr3-46902667-G-C. GRCh37 (hg19) VCF-style: chr3-46944157-G-C.
Other names: c.1353G>C, p.Gln451His (NM_001184744.1); short protein forms Q451H.
Identifiers: ClinVar variation 4993987 (VCV004993987.1).
Genomic context (GRCh38, chr3:46,902,667, plus strand): 5'-GGTCTCAGGGACGCTCTGGCAAGTCCAGATGCACTATGAGATGCTCTTCAACTCCTTCCA[G>C]GTGCGCAGTGCTGGCCCGGGCCTGGCTGAGGGTGGGAGGGGTTCCGGGGGCAGGCCTGAT-3'
Protein context (NP_000307.1, residues 441-461): MHYEMLFNSF[Gln451His]GFFVAIIYCF